The following is an entry in ClinVar:

ClinVar aggregate classification (germline): Likely benign (0 of 4 stars; one submission).

Conditions:
MGLL-related disorder. Also called: MGLL-related condition.

Allele frequency attached by ClinVar (database versions not stated): ExAC 0.00005; TOPMed 0.00008; gnomAD 0.00010; gnomAD exomes 0.00011.
gnomAD v4.1: 175 of 1,613,864 alleles (0.011%); highest among the groups gnomAD compares: Non-Finnish European, 0.013%; no homozygotes.

Submission:

PreventionGenetics, part of Exact Sciences
Classification: Likely benign for MGLL-related condition. Last evaluated: 2019-07-01. Review status: no assertion criteria provided. Collection method: clinical testing. Allele origin: germline.
Comment: This variant is classified as likely benign based on ACMG/AMP sequence variant interpretation guidelines (Richards et al. 2015 PMID: 25741868, with internal and published modifications).

NM_007283.7(MGLL):c.873C>T (p.Ser291=)

Gene: MGLL (monoglyceride lipase; minus strand). Cytogenetic location: 3q21.3.
Variant type: single nucleotide variant.
Coding change: c.873C>T on transcript NM_007283.7 (MANE Select); coding-DNA position 873, C replaced by T.
Protein change: p.Ser291=; no amino-acid change (serine 291 retained).
Molecular consequence: synonymous variant.
Genome position (GRCh38, 1-based): chr3:127,692,267, G>A on the plus strand (C>T on the coding strand, the complement: MGLL is on the minus strand). VCF-style: chr3-127692267-G-A. GRCh37 (hg19) VCF-style: chr3-127411110-G-A.
Other names: c.843C>T, p.Ser281= (NM_001003794.3, NM_001388315.1); c.783C>T, p.Ser261= (NM_001256585.2); c.951C>T, p.Ser317= (NM_001388312.1); c.921C>T, p.Ser307= (NM_001388313.1); c.753C>T, p.Ser251= (NM_001388316.1); c.765C>T, p.Ser255= (NM_001388317.1, NM_001388318.1).
Identifiers: ClinVar variation 3043265 (VCV003043265.2), dbSNP rs748034490, ClinGen allele CA2597470.